The following is an entry in ClinVar:

NM_001369.3(DNAH5):c.10247_10253delinsCCTTTT (p.Phe3416fs)

Gene: DNAH5 (dynein axonemal heavy chain 5; minus strand). Cytogenetic location: 5p15.2.
Variant type: Indel.
Coding change: c.10247_10253delinsCCTTTT on transcript NM_001369.3 (MANE Select); coding-DNA positions 10247 to 10253, TCTTTTC replaced by CCTTTT.
Protein change: p.Phe3416fs; shifts the reading frame from phenylalanine 3416.
Molecular consequence: frameshift variant.
Genome position (GRCh38, 1-based): chr5:13,762,750-13,762,756, GAAAAGA replaced by AAAAGG on the plus strand (TCTTTTC replaced by CCTTTT on the coding strand, the reverse complement: DNAH5 is on the minus strand). VCF-style: chr5-13762750-GAAAAGA-AAAAGG. GRCh37 (hg19) VCF-style: chr5-13762859-GAAAAGA-AAAAGG.
Other names: short protein forms F3416fs.
Identifiers: ClinVar variation 4814849 (VCV004814849.1).

ClinVar aggregate classification (germline): Likely pathogenic (1 of 4 stars; one submission).

Conditions:
Primary ciliary dyskinesia. Also called: Ciliary dyskinesia. Identifiers: Orphanet 244, MedGen C0008780, MONDO:0016575, HP:0012265.

Submission:

Natera, Inc.
Classification: Likely pathogenic for Primary ciliary dyskinesia. Last evaluated: 2025-04-01. Review status: criteria provided, single submitter. Criteria: Natera Variant Classification Schema (03/2026). Collection method: clinical testing. Allele origin: germline.
Comment: The c.10247_10253delinsCCTTTT variant in DNAH5 is a frameshift variant predicted to shift the reading frame beginning at codon 3416 and leads to a stop codon 4 codons downstream. This variant is expected to result in nonsense mediated decay, truncation, or a dysfunctional protein product. This variant is rare in the general population with a frequency below the threshold expected for the associated phenotype(s). Given the available evidence, this variant is classified as Likely Pathogenic.